The following is an entry in ClinVar:

ClinVar aggregate classification (germline): Uncertain significance. Review status: criteria provided, multiple submitters, no conflicts (2 of 4 stars). 2 submissions from 2 submitters: Uncertain significance (2). Last evaluated 2023-04-10.

Conditions:
Myoglobinuria, acute recurrent, autosomal recessive. Also called: Myoglobinuria, recurrent, autosomal recessive; MYOGLOBINURIA, FAMILIAL PAROXYSMAL PARALYTIC; RHABDOMYOLYSIS, ACUTE RECURRENT. Identifiers: Orphanet 99845, MedGen C1849386, MONDO:0009992, OMIM 268200.

Allele frequency attached by ClinVar (database versions not stated): ExAC 0.00002; gnomAD exomes 0.00002 and 0.00003.
gnomAD v4.1: 12 of 1,613,770 alleles (0.00074%); highest among the groups gnomAD compares: South Asian, 0.012%; no homozygotes.

Submissions (2):

Labcorp Genetics (formerly Invitae), Labcorp
Classification: Uncertain significance. Last evaluated: 2023-04-10. Review status: criteria provided, single submitter. Criteria: Invitae Variant Classification Sherloc (09022015). Collection method: clinical testing. Allele origin: germline.
Comment: This variant is present in population databases (rs761610281, gnomAD 0.02%). This variant has not been reported in the literature in individuals affected with LPIN1-related conditions. ClinVar contains an entry for this variant (Variation ID: 894101). This sequence change replaces alanine, which is neutral and non-polar, with threonine, which is neutral and polar, at codon 519 of the LPIN1 protein (p.Ala519Thr). Advanced modeling of protein sequence and biophysical properties (such as structural, functional, and spatial information, amino acid conservation, physicochemical variation, residue mobility, and thermodynamic stability) performed at Invitae indicates that this missense variant is expected to disrupt LPIN1 protein function. In summary, the available evidence is currently insufficient to determine the role of this variant in disease. Therefore, it has been classified as a Variant of Uncertain Significance.

Illumina Laboratory Services, Illumina
Classification: Uncertain significance for Myoglobinuria, acute recurrent, autosomal recessive. Last evaluated: 2018-01-12. Review status: criteria provided, single submitter. Criteria: ICSL Variant Classification Criteria 13 December 2019. Collection method: clinical testing. Allele origin: germline.

NM_001349206.2(LPIN1):c.1663G>A (p.Ala555Thr)

Gene: LPIN1 (lipin 1; plus strand). Cytogenetic location: 2p25.1.
Variant type: single nucleotide variant.
Coding change: c.1663G>A on transcript NM_001349206.2 (MANE Select); coding-DNA position 1663, G replaced by A.
Protein change: p.Ala555Thr; replaces alanine 555 with threonine.
Molecular consequence: missense variant. On other transcripts: non-coding transcript variant (1).
Genome position (GRCh38, 1-based): chr2:11,788,406, G>A. VCF-style: chr2-11788406-G-A. GRCh37 (hg19) VCF-style: chr2-11928532-G-A.
Other names: c.1573G>A, p.Ala525Thr (NM_001261427.3); c.1810G>A, p.Ala604Thr (NM_001261428.3); c.1555G>A, p.Ala519Thr (NM_001349199.2, NM_001349200.2, NM_001349201.2 and 1 more transcripts); c.1660G>A, p.Ala554Thr (NM_001349202.2, NM_001349203.2); c.1663G>A, p.Ala555Thr (NM_001349204.2, NM_001349205.2); c.1753G>A, p.Ala585Thr (NM_001349207.2); c.1702G>A, p.Ala568Thr (NM_001349208.2); short protein forms A554T, A585T, A604T, A519T, A525T, A568T, A555T.
Identifiers: ClinVar variation 894101 (VCV000894101.8), dbSNP rs761610281, ClinGen allele CA1533803.
Genomic context (GRCh38, chr2:11,788,406, plus strand): 5'-AGCCTCGGTTTTTTGACATATATTTCATTGTTTTGTGTTAGATATTATAACTGGACAACA[G>A]CAGCACCCCTCCTCCTGGCAATGCAGGCCTTCCAGAAACCTTTGCCAAAGGTGAGCTTTA-3'
Protein context (NP_001336135.1, residues 545-565): IGSKYYNWTT[Ala555Thr]APLLLAMQAF